The following is an entry in ClinVar:

ClinVar aggregate classification (germline): Conflicting classifications of pathogenicity. Review status: criteria provided, conflicting classifications (1 of 4 stars). 3 submissions from 3 submitters: Uncertain significance (1); Likely benign (2). Last evaluated 2025-10-30.

Conditions:
Hereditary breast ovarian cancer syndrome. Also called: Breast and ovarian cancer; Hereditary breast and ovarian cancer; Hereditary breast and/or ovarian cancer syndrome; BRCA1- and BRCA2-Associated Hereditary Breast and Ovarian Cancer; Hereditary breast and ovarian cancer syndrome (HBOC); Hereditary breast and ovarian cancer syndrome. Identifiers: Orphanet 145, MedGen C0677776, MeSH D061325, MONDO:0003582. Disease mechanism: loss of function.

Allele frequency attached by ClinVar (database versions not stated): gnomAD exomes below 0.00001.
gnomAD v4.1: 1 of 1,614,048 alleles (0.000062%); highest among the groups gnomAD compares: Non-Finnish European, 0.000085%; no homozygotes.

Submissions (3):

Women's Health and Genetics/Laboratory Corporation of America, LabCorp
Classification: Likely benign. Last evaluated: 2025-10-30. Review status: criteria provided, single submitter. Criteria: LabCorp Variant Classification Summary - May 2015. Collection method: clinical testing. Allele origin: germline.

Labcorp Genetics (formerly Invitae), Labcorp
Classification: Likely benign for Hereditary breast ovarian cancer syndrome. Last evaluated: 2025-10-07. Review status: criteria provided, single submitter. Criteria: Invitae Variant Classification Sherloc (09022015). Collection method: clinical testing. Allele origin: germline.

Quest Diagnostics Nichols Institute San Juan Capistrano
Classification: Uncertain significance. Last evaluated: 2025-06-06. Review status: criteria provided, single submitter. Criteria: Quest Diagnostics criteria. Collection method: clinical testing. Allele origin: unknown.
Comment: The BRCA1 c.4096+7G>A variant has not been reported in individuals with BRCA1-related conditions in the published literature. It also has not been reported in large, multi-ethnic general populations (Genome Aggregation Database). Analysis of this variant using software algorithms for the prediction of the effect of nucleotide changes on splicing yielded predictions that this variant does not affect BRCA1 mRNA splicing. Based on the available information, we are unable to determine the clinical significance of this variant.

Literature cited by the submitters: PubMed 31131967 (cited by Quest Diagnostics Nichols Institute San Juan Capistrano).

NM_007294.4(BRCA1):c.4096+7G>A

Genes: BRCA1 (BRCA1 DNA repair associated; minus strand), LOC126862571 (BRD4-independent group 4 enhancer GRCh37_chr17:41243136-41244335; plus strand). Cytogenetic location: 17q21.31.
Variant type: single nucleotide variant.
Coding change: c.4096+7G>A on transcript NM_007294.4 (MANE Select); 7 bases into the intron after coding-DNA position 4096, G replaced by A.
Molecular consequence: intron variant.
Genome position (GRCh38, 1-based): chr17:43,091,428, C>T on the plus strand (G>A on the coding strand, the complement: BRCA1 is on the minus strand). VCF-style: chr17-43091428-C-T. GRCh37 (hg19) VCF-style: chr17-41243445-C-T.
Other names: c.647-396G>A (NM_001408458.1, NM_001408469.1, NM_001408453.1 and 11 more transcripts); c.3208+7G>A (NM_001407967.1, NM_001407966.1); c.3715+7G>A (NM_001407959.1, NM_001407963.1, NM_001407960.1); c.3829+7G>A (NM_001407931.1, NM_001407932.1, NM_001407934.1 and 2 more transcripts); c.3952+7G>A (NM_001407747.1, NM_001407848.1, NM_001407839.1 and 20 more transcripts); c.3712+7G>A (NM_001407962.1); c.284-396G>A (NM_001408512.1); c.407-396G>A (NM_001408510.1); and 41 more.
Identifiers: ClinVar variation 415566 (VCV000415566.16), dbSNP rs1060504565, ClinGen allele CA10593750.